The following is an entry in ClinVar:

ClinVar aggregate classification (germline): Uncertain significance. Review status: criteria provided, multiple submitters, no conflicts (2 of 4 stars). 3 submissions from 3 submitters: Uncertain significance (2). 1 of the submissions does not count toward it. Last evaluated 2024-05-04.

Conditions:
SCN8A-related disorder.
Early-infantile DEE. Also called: Early infantile epileptic encephalopathy; Ohtahara syndrome; Early infantile epileptic encephalopathy with suppression bursts. Identifiers: Orphanet 1934, MedGen C0393706, MONDO:0800491.

Allele frequency attached by ClinVar (database versions not stated): gnomAD exomes below 0.00001.
gnomAD v4.1: 1 of 1,613,984 alleles (0.000062%); highest among the groups gnomAD compares: South Asian, 0.0011%; no homozygotes.

Submissions (3):

Labcorp Genetics (formerly Invitae), Labcorp
Classification: Uncertain significance for Early-infantile DEE. Last evaluated: 2024-05-04. Review status: criteria provided, single submitter. Criteria: Invitae Variant Classification Sherloc (09022015). Collection method: clinical testing. Allele origin: germline.
Comment: This sequence change replaces arginine, which is basic and polar, with glutamine, which is neutral and polar, at codon 1854 of the SCN8A protein (p.Arg1854Gln). This variant is not present in population databases (gnomAD no frequency). This variant has not been reported in the literature in individuals affected with SCN8A-related conditions. ClinVar contains an entry for this variant (Variation ID: 2643004). Advanced modeling of protein sequence and biophysical properties (such as structural, functional, and spatial information, amino acid conservation, physicochemical variation, residue mobility, and thermodynamic stability) performed at Invitae indicates that this missense variant is expected to disrupt SCN8A protein function with a positive predictive value of 95%. In summary, the available evidence is currently insufficient to determine the role of this variant in disease. Therefore, it has been classified as a Variant of Uncertain Significance.

CeGaT Center for Human Genetics Tuebingen
Classification: Uncertain significance. Last evaluated: 2023-09-01. Review status: criteria provided, single submitter. Criteria: CeGaT Center For Human Genetics Tuebingen Variant Classification Criteria Version 2. Collection method: clinical testing. Allele origin: germline. Affected: yes. Observed: 1 variant allele.
Comment: SCN8A: PM2, PP2, PP3

PreventionGenetics, part of Exact Sciences
Classification: Uncertain significance for SCN8A-related condition. Last evaluated: 2024-05-05. Review status: no assertion criteria provided. Collection method: clinical testing. Allele origin: germline. Not counted in ClinVar's aggregate classification.
Comment: The SCN8A c.5561G>A variant is predicted to result in the amino acid substitution p.Arg1854Gln. To our knowledge, this variant has not been reported in the literature or in a large population database, indicating this variant is rare. At this time, the clinical significance of this variant is uncertain due to the absence of conclusive functional and genetic evidence.

NM_001330260.2(SCN8A):c.5561G>A (p.Arg1854Gln)

Gene: SCN8A (sodium voltage-gated channel alpha subunit 8; plus strand). Cytogenetic location: 12q13.13.
Variant type: single nucleotide variant.
Coding change: c.5561G>A on transcript NM_001330260.2 (MANE Select); coding-DNA position 5561, G replaced by A.
Protein change: p.Arg1854Gln; replaces arginine 1854 with glutamine.
Molecular consequence: missense variant.
Genome position (GRCh38, 1-based): chr12:51,807,047, G>A. VCF-style: chr12-51807047-G-A. GRCh37 (hg19) VCF-style: chr12-52200831-G-A.
Other names: c.5438G>A, p.Arg1813Gln (NM_001177984.3, NM_001369788.1); c.5561G>A, p.Arg1854Gln (NM_014191.4); c.5561G>A (NM_014191.3); short protein forms R1813Q, R1854Q.
Identifiers: ClinVar variation 2643004 (VCV002643004.26), dbSNP rs929319837, ClinGen allele CA236327685.